The following is an entry in ClinVar:

NM_173685.4(NSMCE2):c.519+6G>A

Gene: NSMCE2 (NSE2 SUMO ligase component of SMC5/6 complex; plus strand). Cytogenetic location: 8q24.13.
Variant type: single nucleotide variant.
Coding change: c.519+6G>A on transcript NM_173685.4 (MANE Select); 6 bases into the intron after coding-DNA position 519, G replaced by A.
Molecular consequence: intron variant.
Genome position (GRCh38, 1-based): chr8:125,357,325, G>A. VCF-style: chr8-125357325-G-A. GRCh37 (hg19) VCF-style: chr8-126369567-G-A.
Other names: c.519+6G>A (NM_001349486.2, NM_001349485.2).
Identifiers: ClinVar variation 1382762 (VCV001382762.6), dbSNP rs370584966, ClinGen allele CA4874417.

ClinVar aggregate classification (germline): Uncertain significance (1 of 4 stars; one submission).

Allele frequency attached by ClinVar (database versions not stated): ExAC 0.00001; gnomAD exomes 0.00001; TOPMed 0.00002.
gnomAD v4.1: 17 of 1,553,700 alleles (0.0011%); highest among the groups gnomAD compares: Admixed American, 0.005%; no homozygotes.

Submission:

Labcorp Genetics (formerly Invitae), Labcorp
Classification: Uncertain significance. Last evaluated: 2025-05-12. Review status: criteria provided, single submitter. Criteria: Invitae Variant Classification Sherloc (09022015). Collection method: clinical testing. Allele origin: germline.
Comment: This sequence change falls in intron 6 of the NSMCE2 gene. It does not directly change the encoded amino acid sequence of the NSMCE2 protein. It affects a nucleotide within the consensus splice site. This variant is present in population databases (rs370584966, gnomAD 0.006%). This variant has not been reported in the literature in individuals affected with NSMCE2-related conditions. ClinVar contains an entry for this variant (Variation ID: 1382762). Variants that disrupt the consensus splice site are a relatively common cause of aberrant splicing (PMID: 17576681, 9536098). Algorithms developed to predict the effect of sequence changes on RNA splicing suggest that this variant is not likely to affect RNA splicing. In summary, the available evidence is currently insufficient to determine the role of this variant in disease. Therefore, it has been classified as a Variant of Uncertain Significance.

Literature cited by the submitters: PubMed 17576681; PubMed 9536098.